The following is an entry in ClinVar:

ClinVar aggregate classification (germline): Benign/Likely benign. Review status: criteria provided, multiple submitters, no conflicts (2 of 4 stars). 3 submissions from 3 submitters: Benign (1); Likely benign (2). Last evaluated 2025-02-26.

Conditions:
Hereditary nonpolyposis colorectal neoplasms. Identifiers: MedGen C0009405, MeSH D003123.
Hereditary cancer-predisposing syndrome. Also called: Neoplastic Syndromes, Hereditary; Tumor predisposition; Hereditary Cancer Syndrome; Hereditary neoplastic syndrome. Identifiers: Orphanet 140162, MedGen C0027672, MeSH D009386, MONDO:0015356.
Lynch syndrome 5 (LYNCH5). Also called: Colorectal cancer, hereditary nonpolyposis, type 5; Hereditary non-polyposis colorectal cancer, type 5. Identifiers: Orphanet 144, MedGen C1833477, MONDO:0013710, OMIM 614350. Disease mechanism: loss of function.

Allele frequency attached by ClinVar (database versions not stated): TOPMed below 0.00001; gnomAD 0.00001.
gnomAD v4.1: 1 of 1,614,074 alleles (0.000062%); highest among the groups gnomAD compares: African/African-American, 0.0013%; no homozygotes.

Submissions (3):

Labcorp Genetics (formerly Invitae), Labcorp
Classification: Likely benign for Hereditary nonpolyposis colorectal neoplasms. Last evaluated: 2025-02-26. Review status: criteria provided, single submitter. Criteria: Invitae Variant Classification Sherloc (09022015). Collection method: clinical testing. Allele origin: germline.

Myriad Genetics, Inc.
Classification: Benign for Lynch syndrome 5. Last evaluated: 2024-12-30. Review status: criteria provided, single submitter. Criteria: Myriad Autosomal Dominant, Autosomal Recessive and X-Linked Classification Criteria (2023). Collection method: clinical testing. Allele origin: unknown.
Comment: This variant is considered benign. This variant is a silent/synonymous amino acid change and it is not expected to impact splicing.

Color Diagnostics, LLC DBA Color Health
Classification: Likely benign for Hereditary cancer-predisposing syndrome. Last evaluated: 2018-05-11. Review status: criteria provided, single submitter. Criteria: ACMG Guidelines, 2015. Collection method: clinical testing. Allele origin: germline.

NM_000179.3(MSH6):c.2079A>G (p.Lys693=)

Gene: MSH6 (mutS homolog 6; plus strand). Cytogenetic location: 2p16.3.
Variant type: single nucleotide variant.
Coding change: c.2079A>G on transcript NM_000179.3 (MANE Select); coding-DNA position 2079, A replaced by G.
Protein change: p.Lys693=; no amino-acid change (lysine 693 retained).
Molecular consequence: synonymous variant.
Genome position (GRCh38, 1-based): chr2:47,800,062, A>G. VCF-style: chr2-47800062-A-G. GRCh37 (hg19) VCF-style: chr2-48027201-A-G.
Other names: c.1689A>G, p.Lys563= (NM_001281492.2); c.1173A>G, p.Lys391= (NM_001281493.2, NM_001281494.2).
Identifiers: ClinVar variation 922621 (VCV000922621.8), dbSNP rs1276830039, ClinGen allele CA426121411.